The following is an entry in ClinVar:

ClinVar aggregate classification (germline): Likely pathogenic (1 of 4 stars; one submission).

Conditions:
Familial adenomatous polyposis 1 (FAP1). Also called: FAMILIAL ADENOMATOUS POLYPOSIS 1, ATTENUATED; POLYPOSIS, ADENOMATOUS INTESTINAL. Identifiers: MedGen C2713442, MONDO:0021056, OMIM 175100. Disease mechanism: loss of function.

Submission:

Myriad Genetics, Inc.
Classification: Likely pathogenic for Familial adenomatous polyposis 1. Last evaluated: 2023-05-02. Review status: criteria provided, single submitter. Criteria: Myriad Autosomal Dominant, Autosomal Recessive and X-Linked Classification Criteria (2023). Collection method: clinical testing. Allele origin: unknown.
Comment: This variant is considered likely pathogenic. This variant occurs within a consensus splice junction and is predicted to result in abnormal mRNA splicing of either an out-of-frame exon or an in-frame exon necessary for protein stability and/or normal function.

NM_000038.6(APC):c.1627-1G>C

Gene: APC (APC regulator of Wnt signaling pathway; plus strand). Cytogenetic location: 5q22.2.
Variant type: single nucleotide variant.
Coding change: c.1627-1G>C on transcript NM_000038.6 (MANE Select); the canonical splice acceptor site of the intron before coding-DNA position 1627, G replaced by C.
Molecular consequence: splice acceptor variant.
Genome position (GRCh38, 1-based): chr5:112,828,855, G>C. VCF-style: chr5-112828855-G-C. GRCh37 (hg19) VCF-style: chr5-112164552-G-C.
Other names: c.778-1G>C (NM_001407470.1, NM_001354906.2); c.475-1G>C (NM_001407472.1, NM_001407471.1); c.1681-1G>C (NM_001407447.1, NM_001407448.1, NM_001407449.1 and 1 more transcripts); c.1627-1G>C (NM_001354895.2, NM_001407450.1, NM_001127510.3); c.1378-1G>C (NM_001407456.1, NM_001407457.1, NM_001407455.1 and 1 more transcripts); c.1324-1G>C (NM_001407460.1, NM_001407458.1, NM_001407459.1 and 1 more transcripts); c.1597-1G>C (NM_001407452.1); c.1240-1G>C (NM_001407469.1, NM_001407467.1); and 11 more.
Identifiers: ClinVar variation 2584284 (VCV002584284.2), dbSNP rs1580573847, ClinGen allele CA360620467.